The following is an entry in ClinVar:

ClinVar aggregate classification (germline): Pathogenic (1 of 4 stars; one submission).

Conditions:
Nemaline myopathy 2 (NEM2). Also called: Nemaline myopathy 2, autosomal recessive. Identifiers: MedGen C1850569, MONDO:0009725, OMIM 256030.

Submission:

Myriad Genetics, Inc.
Classification: Pathogenic for Nemaline myopathy 2. Last evaluated: 2023-09-12. Review status: criteria provided, single submitter. Criteria: Myriad Autosomal Dominant, Autosomal Recessive and X-Linked Classification Criteria (2023). Collection method: clinical testing. Allele origin: unknown.
Comment: NM_001271208.1(NEB):c.22060_22061ins5(K7354Tfs*65) is expected to be pathogenic in the context of NEB-related nemaline myopathy. This variant is predicted to lead to an abnormal or absent protein product due to the creation of a premature termination codon in NEB, a gene where loss-of-function variants are known to be pathogenic. Please note: this variant was assessed in the context of healthy population screening.

NM_001164508.2(NEB):c.21955_21956insCAACA (p.Lys7319fs)

Genes: NEB (nebulin; minus strand), RIF1 (replication timing regulatory factor 1; plus strand). Cytogenetic location: 2q23.3.
Variant type: Microsatellite.
Coding change: c.21955_21956insCAACA on transcript NM_001164508.2 (MANE Select); coding-DNA positions 21955 to 21956, CAACA inserted.
Protein change: p.Lys7319fs; shifts the reading frame from lysine 7319.
Molecular consequence: frameshift variant.
Genome position: GRCh38 VCF-style: chr2-151526252-T-TTGTTG. GRCh37 (hg19) VCF-style: chr2-152382766-T-TTGTTG.
Other names: c.21955_21956insCAACA, p.Lys7319fs (NM_001164507.2); c.22060_22061insCAACA, p.Lys7354fs (NM_001271208.2); c.16852_16853insCAACA, p.Lys5618fs (NM_004543.5); short protein forms K5618fs, K7319fs, K7354fs.
Identifiers: ClinVar variation 5011652 (VCV005011652.1).